The following is an entry in ClinVar:

ClinVar aggregate classification (germline): Uncertain significance. Review status: criteria provided, multiple submitters, no conflicts (2 of 4 stars). 3 submissions from 3 submitters: Uncertain significance (3). Last evaluated 2025-12-10.

Allele frequency attached by ClinVar (database versions not stated): ExAC 0.00002; gnomAD exomes 0.00002; gnomAD 0.00003 and 0.00004; TOPMed 0.00003.
gnomAD v4.1: 75 of 1,613,946 alleles (0.0046%); highest among the groups gnomAD compares: Non-Finnish European, 0.0063%; no homozygotes.

Submissions (3):

Labcorp Genetics (formerly Invitae), Labcorp
Classification: Uncertain significance. Last evaluated: 2025-12-10. Review status: criteria provided, single submitter. Criteria: Invitae Variant Classification Sherloc (09022015). Collection method: clinical testing. Allele origin: germline.
Comment: This sequence change replaces valine, which is neutral and non-polar, with phenylalanine, which is neutral and non-polar, at codon 1394 of the A2ML1 protein (p.Val1394Phe). This variant is present in population databases (rs756796720, gnomAD 0.006%). This variant has not been reported in the literature in individuals affected with A2ML1-related conditions. ClinVar contains an entry for this variant (Variation ID: 806831). An algorithm developed to predict the effect of missense changes on protein structure and function (PolyPhen-2) suggests that this variant is likely to be tolerated. In summary, the available evidence is currently insufficient to determine the role of this variant in disease. Therefore, it has been classified as a Variant of Uncertain Significance.

Ambry Genetics
Classification: Uncertain significance. Last evaluated: 2024-02-17. Review status: criteria provided, single submitter. Criteria: Ambry Variant Classification Scheme 2023. Collection method: clinical testing. Allele origin: germline.
Comment: The p.V1394F variant (also known as c.4180G>T), located in coding exon 33 of the A2ML1 gene, results from a G to T substitution at nucleotide position 4180. The valine at codon 1394 is replaced by phenylalanine, an amino acid with highly similar properties. This amino acid position is conserved. In addition, this alteration is predicted to be tolerated by in silico analysis. Since supporting evidence is limited at this time, the clinical significance of this alteration remains unclear.

CeGaT Center for Human Genetics Tuebingen
Classification: Uncertain significance. Last evaluated: 2019-05-01. Review status: criteria provided, single submitter. Criteria: CeGaT Center For Human Genetics Tuebingen Variant Classification Criteria Version 2. Collection method: clinical testing. Allele origin: germline. Affected: yes. Observed: 2 variant alleles.

NM_144670.6(A2ML1):c.4180G>T (p.Val1394Phe)

Gene: A2ML1 (alpha-2-macroglobulin like 1; plus strand). Cytogenetic location: 12p13.31.
Variant type: single nucleotide variant.
Coding change: c.4180G>T on transcript NM_144670.6 (MANE Select); coding-DNA position 4180, G replaced by T.
Protein change: p.Val1394Phe; replaces valine 1394 with phenylalanine.
Molecular consequence: missense variant.
Genome position (GRCh38, 1-based): chr12:8,869,162, G>T. VCF-style: chr12-8869162-G-T. GRCh37 (hg19) VCF-style: chr12-9021758-G-T.
Other names: c.2707G>T, p.Val903Phe (NM_001282424.3); short protein forms V1394F, V903F.
Identifiers: ClinVar variation 806831 (VCV000806831.51), dbSNP rs756796720, ClinGen allele CA6436622.